The following is an entry in ClinVar:

ClinVar aggregate classification (germline): Uncertain significance (1 of 4 stars; one submission).

gnomAD v4.1: 2 of 1,614,148 alleles (0.00012%); highest among the groups gnomAD compares: South Asian, 0.0022%; no homozygotes.

Submission:

Labcorp Genetics (formerly Invitae), Labcorp
Classification: Uncertain significance. Last evaluated: 2024-10-05. Review status: criteria provided, single submitter. Criteria: Invitae Variant Classification Sherloc (09022015). Collection method: clinical testing. Allele origin: germline.
Comment: This sequence change replaces isoleucine, which is neutral and non-polar, with threonine, which is neutral and polar, at codon 1127 of the FLNB protein (p.Ile1127Thr). This variant is present in population databases (no rsID available, gnomAD 0.006%). This variant has not been reported in the literature in individuals affected with FLNB-related conditions. Invitae Evidence Modeling of protein sequence and biophysical properties (such as structural, functional, and spatial information, amino acid conservation, physicochemical variation, residue mobility, and thermodynamic stability) indicates that this missense variant is not expected to disrupt FLNB protein function with a negative predictive value of 80%. In summary, the available evidence is currently insufficient to determine the role of this variant in disease. Therefore, it has been classified as a Variant of Uncertain Significance.

NM_001457.4(FLNB):c.3380T>C (p.Ile1127Thr)

Gene: FLNB (filamin B; plus strand). Cytogenetic location: 3p14.3.
Variant type: single nucleotide variant.
Coding change: c.3380T>C on transcript NM_001457.4 (MANE Select); coding-DNA position 3380, T replaced by C.
Protein change: p.Ile1127Thr; replaces isoleucine 1127 with threonine.
Molecular consequence: missense variant.
Genome position (GRCh38, 1-based): chr3:58,123,346, T>C. VCF-style: chr3-58123346-T-C. GRCh37 (hg19) VCF-style: chr3-58109073-T-C.
Other names: c.3380T>C, p.Ile1127Thr (NM_001164317.2, NM_001164318.2, NM_001164319.2); short protein forms I1127T.
Identifiers: ClinVar variation 3693460 (VCV003693460.2).
Genomic context (GRCh38, chr3:58,123,346, plus strand): 5'-ACTTCGTCAACATCCTCTTTGAAGAAGTCCACATACCTGGGTCTCCCTTCAAAGCTGACA[T>C]TGAAATGCCCTTTGACCCCTCTAAAGTCGTGGCATCGGGGCCAGGTCTCGAGCACGGGAA-3'
Protein context (NP_001448.2, residues 1117-1137): HIPGSPFKAD[Ile1127Thr]EMPFDPSKVV